The following is an entry in ClinVar:

ClinVar aggregate classification (germline): Uncertain significance (1 of 4 stars; one submission).

Submission:

Athena Diagnostics
Classification: Uncertain significance. Last evaluated: 2025-03-26. Review status: criteria provided, single submitter. Criteria: Athena Diagnostics Criteria. Collection method: clinical testing. Allele origin: unknown.
Comment: Available data are insufficient to determine the clinical significance of the variant at this time. This variant has not been reported in large, multi-ethnic general populations. Polyphen and MutationTaster predict this amino acid change may be damaging to the protein.

NM_000435.3(NOTCH3):c.1768C>T (p.Pro590Ser)

Gene: NOTCH3 (notch receptor 3; minus strand). Cytogenetic location: 19p13.12.
Variant type: single nucleotide variant.
Coding change: c.1768C>T on transcript NM_000435.3 (MANE Select); coding-DNA position 1768, C replaced by T.
Protein change: p.Pro590Ser; replaces proline 590 with serine.
Molecular consequence: missense variant.
Genome position (GRCh38, 1-based): chr19:15,187,177, G>A on the plus strand (C>T on the coding strand, the complement: NOTCH3 is on the minus strand). VCF-style: chr19-15187177-G-A. GRCh37 (hg19) VCF-style: chr19-15297988-G-A.
Other names: short protein forms P590S.
Identifiers: ClinVar variation 4682376 (VCV004682376.1).
Genomic context (GRCh38, chr19:15,187,177, plus strand): 5'-AAGGGCAGCGGCAGAGGTACTTGTCCACCAGGTCTAGGCATTTGCCGCCATGGCGGCAGG[G>A]CTGGCTGCGGCATTCGTCCACCTGGCTCTCGCAGCGTGTGCCCGTGTAGCCAGGAGCACA-3'
Protein context (NP_000426.2, residues 580-600): ESQVDECRSQ[Pro590Ser]CRHGGKCLDL